The following is an entry in ClinVar:

ClinVar aggregate classification (germline): Likely benign (1 of 4 stars; one submission).

Allele frequency attached by ClinVar (database versions not stated): ExAC 0.00004; ESP Exome Variant Server 0.00015; TOPMed 0.00015; 1000 Genomes Project 30x 0.00016; 1000 Genomes Project 0.00020; gnomAD 0.00023; gnomAD exomes 0.00034.
gnomAD v4.1: 553 of 1,614,200 alleles (0.034%); highest among the groups gnomAD compares: Non-Finnish European, 0.043%; 1 homozygote.

Submission:

CeGaT Center for Human Genetics Tuebingen
Classification: Likely benign. Last evaluated: 2023-12-01. Review status: criteria provided, single submitter. Criteria: CeGaT Center For Human Genetics Tuebingen Variant Classification Criteria Version 2. Collection method: clinical testing. Allele origin: germline. Affected: yes. Observed: 1 variant allele.
Comment: TMEM63A: BP4, BP7

NM_014698.3(TMEM63A):c.1020C>G (p.Arg340=)

Gene: TMEM63A (transmembrane protein 63A; minus strand). Cytogenetic location: 1q42.12.
Variant type: single nucleotide variant.
Coding change: c.1020C>G on transcript NM_014698.3 (MANE Select); coding-DNA position 1020, C replaced by G.
Protein change: p.Arg340=; no amino-acid change (arginine 340 retained).
Molecular consequence: synonymous variant.
Genome position (GRCh38, 1-based): chr1:225,862,283, G>C on the plus strand (C>G on the coding strand, the complement: TMEM63A is on the minus strand). VCF-style: chr1-225862283-G-C. GRCh37 (hg19) VCF-style: chr1-226049983-G-C.
Identifiers: ClinVar variation 3026113 (VCV003026113.22), dbSNP rs201548552, ClinGen allele CA1419301.
Genomic context (GRCh38, chr1:225,862,283, plus strand): 5'-GGCCATGGACTTCTCCTGGAAGGTGACGAAGGCCATTCCCAGGGGCTGGTCCTGGACGTG[G>C]CGTTCTTCCTCTGTGATCCTCTCCAGCAGCCTGTCCTTCATCCGTGTGTAGTAAGAGATG-3'
Protein context (NP_055513.2, residues 330-350): RLLERITEEE[Arg340=]HVQDQPLGMA